The following is an entry in ClinVar:

NM_001458.5(FLNC):c.3730G>T (p.Val1244Leu)

Gene: FLNC (filamin C; plus strand). Cytogenetic location: 7q32.1.
Variant type: single nucleotide variant.
Coding change: c.3730G>T on transcript NM_001458.5 (MANE Select); coding-DNA position 3730, G replaced by T.
Protein change: p.Val1244Leu; replaces valine 1244 with leucine.
Molecular consequence: missense variant.
Genome position (GRCh38, 1-based): chr7:128,845,195, G>T. VCF-style: chr7-128845195-G-T. GRCh37 (hg19) VCF-style: chr7-128485249-G-T.
Other names: c.3730G>T, p.Val1244Leu (NM_001127487.2); short protein forms V1244L.
Identifiers: ClinVar variation 2179001 (VCV002179001.6), dbSNP rs746023653, ClinGen allele CA369197847.

ClinVar aggregate classification (germline): Uncertain significance. Review status: criteria provided, multiple submitters, no conflicts (2 of 4 stars). 2 submissions from 2 submitters: Uncertain significance (2). Last evaluated 2026-01-23.

Conditions:
Myofibrillar myopathy 5. Also called: FILAMINOPATHY, AUTOSOMAL DOMINANT; Filaminopathy (type). Identifiers: Orphanet 171445, MedGen C1836050, MONDO:0012289, OMIM 609524.
Hypertrophic cardiomyopathy 26. Also called: Cardiomyopathy, familial hypertrophic, 26. Identifiers: Orphanet 75249, MedGen C4310749, MONDO:0014883, OMIM 617047.
Distal myopathy with posterior leg and anterior hand involvement. Also called: WILLIAMS DISTAL MYOPATHY. Identifiers: Orphanet 63273, MedGen C3279722, MONDO:0013550, OMIM 614065.

Submissions (2):

Dasa
Classification: Uncertain significance. Last evaluated: 2026-01-23. Review status: criteria provided, single submitter. Criteria: DASA Assertion Criteria. Collection method: clinical testing. Allele origin: germline.
Comment: NM_001458.5(FLNC):c.3730G>T (p.Val1244Leu) is a missense variant that results in the substitution of valine with leucine. This variant is rare in population databases. Computational prediction algorithms are consistent with a deleterious effect. The currently available literature and clinical evidence are not sufficient to establish a definitive association between this variant and the reported condition. Therefore, this variant is classified as a variant of uncertain significance.

Labcorp Genetics (formerly Invitae), Labcorp
Classification: Uncertain significance for Distal myopathy with posterior leg and anterior hand involvement; Myofibrillar myopathy 5; Hypertrophic cardiomyopathy 26. Last evaluated: 2022-07-30. Review status: criteria provided, single submitter. Criteria: Invitae Variant Classification Sherloc (09022015). Collection method: clinical testing. Allele origin: germline.
Comment: In summary, the available evidence is currently insufficient to determine the role of this variant in disease. Therefore, it has been classified as a Variant of Uncertain Significance. Algorithms developed to predict the effect of missense changes on protein structure and function are either unavailable or do not agree on the potential impact of this missense change (SIFT: "Deleterious"; PolyPhen-2: "Probably Damaging"; Align-GVGD: "Class C0"). This variant has not been reported in the literature in individuals affected with FLNC-related conditions. This variant is not present in population databases (gnomAD no frequency). This sequence change replaces valine, which is neutral and non-polar, with leucine, which is neutral and non-polar, at codon 1244 of the FLNC protein (p.Val1244Leu).